The following is an entry in ClinVar:

ClinVar aggregate classification (germline): Likely benign. Review status: criteria provided, multiple submitters, no conflicts (2 of 4 stars). 3 submissions from 3 submitters: Likely benign (2). 1 of the submissions does not count toward it. Last evaluated 2026-01-27.

Conditions:
ABHD5-related disorder. Also called: ABHD5-related condition.
Triglyceride storage disease with ichthyosis (CDS). Also called: ICHTHYOSIFORM ERYTHRODERMA WITH LEUKOCYTE VACUOLATION; TRIGLYCERIDE STORAGE DISEASE WITH IMPAIRED LONG-CHAIN FATTY ACID OXIDATION; Dorfman-Chanarin disease; Chanarin-Dorfman Syndrome. Identifiers: Orphanet 98907, MedGen C0268238, MONDO:0010155, OMIM 275630.

Allele frequency attached by ClinVar (database versions not stated): ExAC 0.00017; gnomAD exomes 0.00008 and 0.00013; TOPMed 0.00080; gnomAD 0.00087 and 0.00080; 1000 Genomes Project 30x 0.00172; 1000 Genomes Project 0.00140.
gnomAD v4.1: 235 of 1,569,174 alleles (0.015%); highest among the groups gnomAD compares: African/African-American, 0.3%; no homozygotes.

Submissions (3):

Labcorp Genetics (formerly Invitae), Labcorp
Classification: Likely benign. Last evaluated: 2026-01-27. Review status: criteria provided, single submitter. Criteria: Invitae Variant Classification Sherloc (09022015). Collection method: clinical testing. Allele origin: germline.

PreventionGenetics, part of Exact Sciences
Classification: Likely benign for ABHD5-related condition. Last evaluated: 2025-06-23. Review status: criteria provided, single submitter. Criteria: ACMG Guidelines, 2015. Collection method: clinical testing. Allele origin: germline.
Comment: This variant is classified as likely benign based on ACMG/AMP sequence variant interpretation guidelines (Richards et al. 2015 PMID: 25741868, with internal and published modifications).

OMIM
Classification: Pathogenic for CHANARIN-DORFMAN SYNDROME. Last evaluated: 2001-11-01. Review status: no assertion criteria provided. Collection method: literature only. Allele origin: germline. Not counted in ClinVar's aggregate classification.

Literature cited by the submitters: PubMed 11590543 (cited by OMIM).

NM_016006.6(ABHD5):c.19G>A (p.Glu7Lys)

Genes: ABHD5 (abhydrolase domain containing 5, lysophosphatidic acid acyltransferase; plus strand), ANO10 (anoctamin 10; minus strand). Cytogenetic location: 3p21.33.
Variant type: single nucleotide variant.
Coding change: c.19G>A on transcript NM_016006.6 (MANE Select); coding-DNA position 19, G replaced by A.
Protein change: p.Glu7Lys; replaces glutamic acid 7 with lysine.
Molecular consequence: missense variant. On other transcripts: non-coding transcript variant (1), intron variant (2).
Genome position (GRCh38, 1-based): chr3:43,691,011, G>A. VCF-style: chr3-43691011-G-A. GRCh37 (hg19) VCF-style: chr3-43732503-G-A.
Other names: c.19G>A, p.Glu7Lys (NM_001355186.2, NM_001365650.1); c.-12+506C>T (NM_001346469.2, NM_001346468.2); short protein forms E7K.
Identifiers: ClinVar variation 5351 (VCV000005351.11), dbSNP rs104893676, ClinGen allele CA117425.
Genomic context (GRCh38, chr3:43,691,011, plus strand): 5'-GCCGGCTTCGAGATAAGTCCCGGCGCTTGCGCGGCGGCGGCTATGGCGGCGGAGGAGGAG[G>A]AGGTGGACTCTGCCGACACCGGAGAGAGGTAAGCGCAGCCGGCAGGGGGCTTCGTGTGTC-3'
Protein context (NP_057090.2, residues 1-17): MAAEEE[Glu7Lys]VDSADTGERS